The following is an entry in ClinVar:

NM_000404.4(GLB1):c.1256G>A (p.Arg419Gln)

Gene: GLB1 (galactosidase beta 1; minus strand). Cytogenetic location: 3p22.3.
Variant type: single nucleotide variant.
Coding change: c.1256G>A on transcript NM_000404.4 (MANE Select); coding-DNA position 1256, G replaced by A.
Protein change: p.Arg419Gln; replaces arginine 419 with glutamine.
Molecular consequence: missense variant.
Genome position (GRCh38, 1-based): chr3:33,018,539, C>T on the plus strand (G>A on the coding strand, the complement: GLB1 is on the minus strand). VCF-style: chr3-33018539-C-T. GRCh37 (hg19) VCF-style: chr3-33060031-C-T.
Other names: c.1166G>A, p.Arg389Gln (NM_001079811.3); c.863G>A, p.Arg288Gln (NM_001135602.3); c.1400G>A, p.Arg467Gln (NM_001317040.2); c.1256G>A, p.Arg419Gln (NM_001393580.1); short protein forms R419Q, R389Q, R288Q, R467Q.
Identifiers: ClinVar variation 1516780 (VCV001516780.10), dbSNP rs780634117, ClinGen allele CA2299443.
Genomic context (GRCh38, chr3:33,018,539, plus strand): 5'-ACTCCATTGAGGGGTGAAGAGAGAGGTGCTGGGTTGCTGCAATCTTGAGGAAGTGTTGTC[C>T]GGTACAGCACAAACCCATAATGCTGGTTAGAAAAGGATTTAAGAAAAATACATCACTATT-3'
Protein context (NP_000395.3, residues 409-429): VKQHYGFVLY[Arg419Gln]TTLPQDCSNP

ClinVar aggregate classification (germline): Conflicting classifications of pathogenicity. Review status: criteria provided, conflicting classifications (1 of 4 stars). 3 submissions from 3 submitters: Likely pathogenic (1); Uncertain significance (2). Last evaluated 2025-10-15.

Conditions:
GM1 gangliosidosis. Identifiers: Orphanet 354, MedGen C0085131, MONDO:0018149.
Mucopolysaccharidosis, MPS-IV-B (MPS4B). Also called: Mucopolysaccharidosis type IV B; MORQUIO SYNDROME B; Mucopolysaccharidosis type IVB (Morquio); MPS IVB; Mucopolysaccharidosis Type IVB; Mucopolysaccharidosis type 4B. Identifiers: Orphanet 309310, Orphanet 582, MedGen C0086652, MONDO:0009660, OMIM 253010.
GM1 gangliosidosis type 3. Also called: Gangliosidosis, Generalized GM1, Type 3; GM1-GANGLIOSIDOSIS, TYPE III; GANGLIOSIDOSIS, GENERALIZED GM1, ADULT TYPE; GANGLIOSIDOSIS, GENERALIZED GM1, CHRONIC TYPE; GANGLIOSIDOSIS, GENERALIZED GM1, TYPE III; Beta-galactosidase deficiency. Identifiers: Orphanet 79257, MedGen C0268273, MONDO:0009262, OMIM 230650.
Infantile GM1 gangliosidosis. Also called: Gangliosidosis, Generalized GM1, Type 1; GM1-gangliosidosis, type I; Gangliosidosis, generalized GM1, infantile form; GLB1 deficiency; GM1 gangliosidosis type 1. Identifiers: Orphanet 354, Orphanet 79255, MedGen C0268271, MONDO:0009260, OMIM 230500.
GM1 gangliosidosis type 2. Also called: Gangliosidosis, Generalized GM1, Type 2; GM1-GANGLIOSIDOSIS, TYPE II; GANGLIOSIDOSIS, GENERALIZED GM1, JUVENILE TYPE; GANGLIOSIDOSIS, GENERALIZED GM1, TYPE II; Juvenile GM>1< gangliosidosis. Identifiers: Orphanet 354, Orphanet 79256, MedGen C0268272, MONDO:0009261, OMIM 230600.

Allele frequency attached by ClinVar (database versions not stated): ExAC 0.00004; gnomAD exomes 0.00004; gnomAD 0.00006; TOPMed 0.00006.
gnomAD v4.1: 69 of 1,613,764 alleles (0.0043%); highest among the groups gnomAD compares: Non-Finnish European, 0.0053%; no homozygotes.

Submissions (3):

Labcorp Genetics (formerly Invitae), Labcorp
Classification: Likely pathogenic for Mucopolysaccharidosis, MPS-IV-B; GM1 gangliosidosis. Last evaluated: 2025-10-15. Review status: criteria provided, single submitter. Criteria: Invitae Variant Classification Sherloc (09022015). Collection method: clinical testing. Allele origin: germline.
Comment: This sequence change replaces arginine, which is basic and polar, with glutamine, which is neutral and polar, at codon 419 of the GLB1 protein (p.Arg419Gln). This variant is present in population databases (rs780634117, gnomAD 0.007%). This variant has not been reported in the literature in individuals affected with GLB1-related conditions. ClinVar contains an entry for this variant (Variation ID: 1516780). Invitae Evidence Modeling of protein sequence and biophysical properties (such as structural, functional, and spatial information, amino acid conservation, physicochemical variation, residue mobility, and thermodynamic stability) indicates that this missense variant is expected to disrupt GLB1 protein function with a positive predictive value of 95%. Algorithms developed to predict the effect of sequence changes on RNA splicing suggest that this variant may create or strengthen a splice site. This variant disrupts the p.Arg419 amino acid residue in GLB1. Other variant(s) that disrupt this residue have been determined to be pathogenic (PMID: 31761138, 33083013). This suggests that this residue is clinically significant, and that variants that disrupt this residue are likely to be disease-causing. In summary, the currently available evidence indicates that the variant is pathogenic, but additional data are needed to prove that conclusively. Therefore, this variant has been classified as Likely Pathogenic.

Blueprint Genetics
Classification: Uncertain significance. Last evaluated: 2024-07-05. Review status: criteria provided, single submitter. Criteria: ACMG Guidelines, 2015. Collection method: clinical testing. Allele origin: germline.

Fulgent Genetics
Classification: Uncertain significance for Infantile GM1 gangliosidosis; GM1 gangliosidosis type 2; GM1 gangliosidosis type 3; Mucopolysaccharidosis, MPS-IV-B. Last evaluated: 2022-01-28. Review status: criteria provided, single submitter. Criteria: ACMG Guidelines, 2015. Collection method: clinical testing. Allele origin: unknown.

Literature cited by the submitters: PubMed 31761138 (cited by Labcorp Genetics (formerly Invitae), Labcorp); PubMed 33083013 (cited by Labcorp Genetics (formerly Invitae), Labcorp).